The following is an entry in ClinVar:

NM_016333.4(SRRM2):c.7853C>T (p.Ser2618Phe)

Gene: SRRM2 (serine/arginine repetitive matrix 2; plus strand). Cytogenetic location: 16p13.3.
Variant type: single nucleotide variant.
Coding change: c.7853C>T on transcript NM_016333.4 (MANE Select); coding-DNA position 7853, C replaced by T.
Protein change: p.Ser2618Phe; replaces serine 2618 with phenylalanine.
Molecular consequence: missense variant.
Genome position (GRCh38, 1-based): chr16:2,769,116, C>T. VCF-style: chr16-2769116-C-T. GRCh37 (hg19) VCF-style: chr16-2819117-C-T.
Other names: short protein forms S2618F.
Identifiers: ClinVar variation 4076225 (VCV004076225.1).

ClinVar aggregate classification (germline): Uncertain significance (1 of 4 stars; one submission).

Conditions:
Intellectual developmental disorder, autosomal dominant 72 (MRD72). Identifiers: Orphanet 652487, MedGen C5830612, MONDO:0957397, OMIM 620439.

gnomAD v4.1: 2 of 1,613,708 alleles (0.00012%); highest among the groups gnomAD compares: East Asian, 0.0022%; no homozygotes.

Submission:

Laboratorio de Genetica e Diagnostico Molecular, Hospital Israelita Albert Einstein
Classification: Uncertain significance for Intellectual developmental disorder, autosomal dominant 72. Last evaluated: 2024-10-06. Review status: criteria provided, single submitter. Criteria: ACMG Guidelines, 2015. Collection method: clinical testing. Allele origin: germline. Affected: yes.
Comment: ACMG classification criteria: PM2 supporting, BP4 supporting